The following is an entry in ClinVar:

ClinVar aggregate classification (germline): Uncertain significance. Review status: criteria provided, multiple submitters, no conflicts (2 of 4 stars). 2 submissions from 2 submitters: Uncertain significance (2). Last evaluated 2023-12-11.

Conditions:
Congenital myasthenic syndrome 8. Also called: Myasthenic syndrome, congenital, 8, with pre- and postsynaptic defects; MYASTHENIC SYNDROME, CONGENITAL, DUE TO AGRIN DEFICIENCY. Identifiers: Orphanet 590, MedGen C3808739, MONDO:0014052, OMIM 615120.
Inborn genetic diseases. Identifiers: MedGen C0950123, MeSH D030342.

Submissions (2):

Ambry Genetics
Classification: Uncertain significance for Inborn genetic diseases. Last evaluated: 2023-12-11. Review status: criteria provided, single submitter. Criteria: Ambry Variant Classification Scheme 2023. Collection method: clinical testing. Allele origin: germline.

Labcorp Genetics (formerly Invitae), Labcorp
Classification: Uncertain significance for Congenital myasthenic syndrome 8. Last evaluated: 2022-06-11. Review status: criteria provided, single submitter. Criteria: Invitae Variant Classification Sherloc (09022015). Collection method: clinical testing. Allele origin: germline.
Comment: In summary, the available evidence is currently insufficient to determine the role of this variant in disease. Therefore, it has been classified as a Variant of Uncertain Significance. Algorithms developed to predict the effect of missense changes on protein structure and function are either unavailable or do not agree on the potential impact of this missense change (SIFT: "Deleterious"; PolyPhen-2: "Probably Damaging"; Align-GVGD: "Class C0"). This variant has not been reported in the literature in individuals affected with AGRN-related conditions. This variant is not present in population databases (gnomAD no frequency). This sequence change replaces threonine, which is neutral and polar, with proline, which is neutral and non-polar, at codon 1684 of the AGRN protein (p.Thr1684Pro).

NM_198576.4(AGRN):c.5050A>C (p.Thr1684Pro)

Gene: AGRN (agrin; plus strand). Cytogenetic location: 1p36.33.
Variant type: single nucleotide variant.
Coding change: c.5050A>C on transcript NM_198576.4 (MANE Select); coding-DNA position 5050, A replaced by C.
Protein change: p.Thr1684Pro; replaces threonine 1684 with proline.
Molecular consequence: missense variant.
Genome position (GRCh38, 1-based): chr1:1,050,500, A>C. VCF-style: chr1-1050500-A-C. GRCh37 (hg19) VCF-style: chr1-985880-A-C.
Other names: c.5050A>C (NM_198576.3); c.5050A>C, p.Thr1684Pro (NM_001305275.2); c.4735A>C, p.Thr1579Pro (NM_001364727.2); short protein forms T1579P, T1684P.
Identifiers: ClinVar variation 2004776 (VCV002004776.5), dbSNP rs2522787955, ClinGen allele CA337780092.